The following is an entry in ClinVar:

ClinVar aggregate classification (germline): Uncertain significance. Review status: criteria provided, multiple submitters, no conflicts (2 of 4 stars). 3 submissions from 2 submitters: Uncertain significance (3). Last evaluated 2018-01-15.

Conditions:
Maturity-onset diabetes of the young type 1. Also called: MODY type 1; Diabetes mellitus MODY type 1; MODY HNF4A related; MILD JUVENILE DIABETES MELLITUS; HNF4A-Related Maturity-Onset Diabetes of the Young Type 1; MODY, type I. Identifiers: Orphanet 552, MedGen C1852093, MONDO:0007452, OMIM 125850. Disease mechanism: loss of function.
Maturity-onset diabetes of the young (MODY). Also called: Maturity onset diabetes mellitus in young. Identifiers: Orphanet 552, MedGen C0342276, MONDO:0018911, HP:0004904.
Familial hyperinsulinism. Also called: Congenital hyperinsulinism. Identifiers: Orphanet 276525, MedGen C3888018, MONDO:0017182. Disease mechanism: loss of function.

Allele frequency attached by ClinVar (database versions not stated): gnomAD 0.00167 and 0.00175; TOPMed 0.00196; 1000 Genomes Project 30x 0.00234; 1000 Genomes Project 0.00240.

Submissions (3):

Illumina Laboratory Services, Illumina
Classification: Uncertain significance for Familial hyperinsulinism. Last evaluated: 2018-01-15. Review status: criteria provided, single submitter. Criteria: ICSL Variant Classification Criteria 13 December 2019. Collection method: clinical testing. Allele origin: germline.

Illumina Laboratory Services, Illumina
Classification: Uncertain significance for Maturity-onset diabetes of the young type 1. Last evaluated: 2018-01-15. Review status: criteria provided, single submitter. Criteria: ICSL Variant Classification Criteria 13 December 2019. Collection method: clinical testing. Allele origin: germline.

Clinical Genomics, Uppaluri K&H Personalized Medicine Clinic
Classification: Uncertain significance for Maturity-onset diabetes of the young. Review status: criteria provided, single submitter. Criteria: K & H Uppaluri Personalized Medicine Clinic Variant Classification & Assertion Criteria_Updated V.1. Collection method: research. Allele origin: unknown. Inheritance: Autosomal dominant inheritance.
Comment: Potent mutations in HNF4A are associated with poor insulin secretion in response to hyperglycemia. Associated with MODY1. Patients initially respond well to sulfonylureas but eventually become insulin dependent. However, more evidence is required to ascertain the role of this particular variant rs150112206 in MODY, yet.

Literature cited by the submitters: DOI 10.1159/000334532 (cited by Clinical Genomics, Uppaluri K&H Personalized Medicine Clinic); PubMed 18268044 (cited by Clinical Genomics, Uppaluri K&H Personalized Medicine Clinic); PubMed 17563455 (cited by Clinical Genomics, Uppaluri K&H Personalized Medicine Clinic); PubMed 32583173 (cited by Clinical Genomics, Uppaluri K&H Personalized Medicine Clinic); PubMed 35052457 (cited by Clinical Genomics, Uppaluri K&H Personalized Medicine Clinic); PubMed 35118593 (cited by Clinical Genomics, Uppaluri K&H Personalized Medicine Clinic).

NM_175914.5(HNF4A):c.*2006T>C

Gene: HNF4A (hepatocyte nuclear factor 4 alpha; plus strand). Cytogenetic location: 20q13.12.
Variant type: single nucleotide variant.
Coding change: c.*2006T>C on transcript NM_175914.5 (MANE Select); 2006 bases downstream of the stop codon, T replaced by C.
Molecular consequence: 3 prime UTR variant.
Genome position (GRCh38, 1-based): chr20:44,431,671, T>C. VCF-style: chr20-44431671-T-C. GRCh37 (hg19) VCF-style: chr20-43060311-T-C.
Other names: c.*2006T>C (NM_000457.6, NM_001030003.3, NM_001258355.2 and 3 more transcripts).
Identifiers: ClinVar variation 896868 (VCV000896868.5), dbSNP rs150112206, ClinGen allele CA315422214.